The following is an entry in ClinVar:

NM_001290060.2(SEMA3B):c.1219C>T (p.Leu407Phe)

Gene: SEMA3B (semaphorin 3B; plus strand). Cytogenetic location: 3p21.31.
Variant type: single nucleotide variant.
Coding change: c.1219C>T on transcript NM_001290060.2 (MANE Select); coding-DNA position 1219, C replaced by T.
Protein change: p.Leu407Phe; replaces leucine 407 with phenylalanine.
Molecular consequence: missense variant. On other transcripts: non-coding transcript variant (1).
Genome position (GRCh38, 1-based): chr3:50,274,444, C>T. VCF-style: chr3-50274444-C-T. GRCh37 (hg19) VCF-style: chr3-50311875-C-T.
Other names: c.1216C>T, p.Leu406Phe (NM_001005914.3, NM_001435957.1, NM_001435958.1); c.1234C>T, p.Leu412Phe (NM_001290061.1); c.190C>T, p.Leu64Phe (NM_001290062.2, NM_001290063.2); c.1219C>T, p.Leu407Phe (NM_001435956.1, NM_004636.4); short protein forms L412F, L406F, L407F, L64F.
Identifiers: ClinVar variation 4990701 (VCV004990701.1).

ClinVar aggregate classification (germline): Uncertain significance (1 of 4 stars; one submission).

Conditions:
SEMA3B-related disorder. Also called: SEMA3B-related condition.

Submission:

PreventionGenetics, part of Exact Sciences
Classification: Uncertain significance for SEMA3B-related condition. Last evaluated: 2025-08-15. Review status: criteria provided, single submitter. Criteria: ACMG Guidelines, 2015. Collection method: clinical testing. Allele origin: germline.
Comment: The SEMA3B c.1234C>T variant is predicted to result in the amino acid substitution p.Leu412Phe. To our knowledge, this variant has not been reported in the literature. This variant is reported in 0.0045% of alleles in individuals of Latino descent in gnomAD. At this time, the clinical significance of this variant is uncertain due to the absence of conclusive functional and genetic evidence.